The following is an entry in ClinVar:

NM_016148.5(SHANK1):c.3971G>A (p.Gly1324Glu)

Gene: SHANK1 (SH3 and multiple ankyrin repeat domains 1; minus strand). Cytogenetic location: 19q13.33.
Variant type: single nucleotide variant.
Coding change: c.3971G>A on transcript NM_016148.5 (MANE Select); coding-DNA position 3971, G replaced by A.
Protein change: p.Gly1324Glu; replaces glycine 1324 with glutamic acid.
Molecular consequence: missense variant.
Genome position (GRCh38, 1-based): chr19:50,667,989, C>T on the plus strand (G>A on the coding strand, the complement: SHANK1 is on the minus strand). VCF-style: chr19-50667989-C-T. GRCh37 (hg19) VCF-style: chr19-51171246-C-T.
Other names: short protein forms G1324E.
Identifiers: ClinVar variation 3030228 (VCV003030228.2), dbSNP rs1985615725, ClinGen allele CA407015424.

ClinVar aggregate classification (germline): Uncertain significance (0 of 4 stars; one submission).

Conditions:
SHANK1-related disorder. Also called: SHANK1-related condition.

Allele frequency attached by ClinVar (database versions not stated): gnomAD 0.00001; TOPMed 0.00001.
gnomAD v4.1: 5 of 1,456,568 alleles (0.00034%); highest among the groups gnomAD compares: Non-Finnish European, 0.00045%; no homozygotes.

Submission:

PreventionGenetics, part of Exact Sciences
Classification: Uncertain significance for SHANK1-related condition. Last evaluated: 2023-11-22. Review status: no assertion criteria provided. Collection method: clinical testing. Allele origin: germline.
Comment: The SHANK1 c.3971G>A variant is predicted to result in the amino acid substitution p.Gly1324Glu. To our knowledge, this variant has not been reported in the literature or in a large population database, indicating this variant is rare. At this time, the clinical significance of this variant is uncertain due to the absence of conclusive functional and genetic evidence.